The following is an entry in ClinVar:

NM_001123385.2(BCOR):c.4820-7C>T

Gene: BCOR (BCL6 corepressor; minus strand). Cytogenetic location: Xp11.4.
Variant type: single nucleotide variant.
Coding change: c.4820-7C>T on transcript NM_001123385.2 (MANE Select); 7 bases into the intron before coding-DNA position 4820, C replaced by T.
Molecular consequence: intron variant.
Genome position (GRCh38, 1-based): chrX:40,054,049, G>A on the plus strand (C>T on the coding strand, the complement: BCOR is on the minus strand). VCF-style: chrX-40054049-G-A. GRCh37 (hg19) VCF-style: chrX-39913302-G-A.
Other names: c.4664-7C>T (NM_001123384.2); c.4766-7C>T (NM_001438207.1); c.4718-7C>T (NM_001123383.2, NM_001438208.1, NM_017745.6); c.4820-7C>T (NM_001437510.1, NM_001437511.1).
Identifiers: ClinVar variation 4874093 (VCV004874093.3).

ClinVar aggregate classification (germline): Likely benign. Review status: criteria provided, multiple submitters, no conflicts (2 of 4 stars). 2 submissions from 2 submitters: Likely benign (2). Last evaluated 2026-05-01.

gnomAD v4.1: 3 of 1,208,537 alleles (0.00025%); highest among the groups gnomAD compares: Non-Finnish European, 0.00034%; no homozygotes.

Submissions (2):

CeGaT Center for Human Genetics Tuebingen
Classification: Likely benign. Last evaluated: 2026-05-01. Review status: criteria provided, single submitter. Criteria: CeGaT Center For Human Genetics Tuebingen Variant Classification Criteria Version 2. Collection method: clinical testing. Allele origin: germline. Affected: yes. Observed: 1 variant allele.
Comment: BCOR: BP4

Blueprint Genetics
Classification: Likely benign. Last evaluated: 2024-01-10. Review status: criteria provided, single submitter. Criteria: ACMG Guidelines, 2015. Collection method: clinical testing. Allele origin: germline.